The following is an entry in ClinVar:

NM_000465.4(BARD1):c.1109G>C (p.Arg370Pro)

Gene: BARD1 (BRCA1 associated RING domain 1; minus strand). Cytogenetic location: 2q35.
Variant type: single nucleotide variant.
Coding change: c.1109G>C on transcript NM_000465.4 (MANE Select); coding-DNA position 1109, G replaced by C.
Protein change: p.Arg370Pro; replaces arginine 370 with proline.
Molecular consequence: missense variant. On other transcripts: non-coding transcript variant (2), intron variant (3).
Genome position (GRCh38, 1-based): chr2:214,780,765, C>G on the plus strand (G>C on the coding strand, the complement: BARD1 is on the minus strand). VCF-style: chr2-214780765-C-G. GRCh37 (hg19) VCF-style: chr2-215645489-C-G.
Other names: c.1052G>C, p.Arg351Pro (NM_001282543.2); c.159-28210G>C (NM_001282548.2); c.215+16296G>C (NM_001282545.2); c.364+11532G>C (NM_001282549.2); short protein forms R351P, R370P.
Identifiers: ClinVar variation 1356931 (VCV001356931.9), dbSNP rs730881416, ClinGen allele CA350454040.

ClinVar aggregate classification (germline): Uncertain significance (1 of 4 stars; one submission).

Conditions:
Familial cancer of breast. Also called: Hereditary breast cancer; BREAST CANCER, FAMILIAL; hereditary breast carcinoma. Identifiers: Orphanet 227535, MedGen C0346153, MONDO:0016419, OMIM 114480. Disease mechanism: loss of function.

gnomAD v4.1: 1 of 1,614,032 alleles (0.000062%); highest among the groups gnomAD compares: Non-Finnish European, 0.000085%; no homozygotes.

Submission:

Labcorp Genetics (formerly Invitae), Labcorp
Classification: Uncertain significance for Familial cancer of breast. Last evaluated: 2024-09-10. Review status: criteria provided, single submitter. Criteria: Invitae Variant Classification Sherloc (09022015). Collection method: clinical testing. Allele origin: germline.
Comment: This sequence change replaces arginine, which is basic and polar, with proline, which is neutral and non-polar, at codon 370 of the BARD1 protein (p.Arg370Pro). This variant is not present in population databases (gnomAD no frequency). This variant has not been reported in the literature in individuals affected with BARD1-related conditions. ClinVar contains an entry for this variant (Variation ID: 1356931). An algorithm developed to predict the effect of missense changes on protein structure and function outputs the following: PolyPhen-2: "Benign". The proline amino acid residue is found in multiple mammalian species, which suggests that this missense change does not adversely affect protein function. In summary, the available evidence is currently insufficient to determine the role of this variant in disease. Therefore, it has been classified as a Variant of Uncertain Significance.